The following is an entry in ClinVar:

NM_001365999.1(SZT2):c.4890dup (p.Thr1631fs)

Gene: SZT2 (SZT2 subunit of KICSTOR complex; plus strand). Cytogenetic location: 1p34.2.
Variant type: Duplication.
Coding change: c.4890dup on transcript NM_001365999.1 (MANE Select); coding-DNA position 4890, one base duplicated (C; older notation c.4890dupC).
Protein change: p.Thr1631fs; shifts the reading frame from threonine 1631.
Molecular consequence: frameshift variant.
Genome position (GRCh38, 1-based): chr1:43,431,064, C duplicated; the last of 4 consecutive C bases (chr1:43,431,061-43,431,064); duplicating any one gives the same sequence. VCF-style (leftmost placement, unchanged base first): chr1-43431060-T-TC. GRCh37 (hg19) VCF-style: chr1-43896731-T-TC.
Other names: c.4719dup, p.Thr1574fs (NM_015284.4); short protein forms T1574fs, T1631fs.
Identifiers: ClinVar variation 3681583 (VCV003681583.2).

ClinVar aggregate classification (germline): Pathogenic (1 of 4 stars; one submission).

Submission:

Labcorp Genetics (formerly Invitae), Labcorp
Classification: Pathogenic. Last evaluated: 2025-09-30. Review status: criteria provided, single submitter. Criteria: Invitae Variant Classification Sherloc (09022015). Collection method: clinical testing. Allele origin: germline.
Comment: This sequence change creates a premature translational stop signal (p.Thr1574Hisfs*13) in the SZT2 gene. It is expected to result in an absent or disrupted protein product. Loss-of-function variants in SZT2 are known to be pathogenic (PMID: 23932106, 27248490, 28556953). This variant is not present in population databases (gnomAD no frequency). This variant has not been reported in the literature in individuals affected with SZT2-related conditions. ClinVar contains an entry for this variant (Variation ID: 3681583). For these reasons, this variant has been classified as Pathogenic.

Literature cited by the submitters: PubMed 23932106; PubMed 27248490; PubMed 28556953.